The following is an entry in ClinVar:

ClinVar aggregate classification (germline): Uncertain significance (1 of 4 stars; one submission).

Submission:

Dasa
Classification: Uncertain significance. Last evaluated: 2025-09-27. Review status: criteria provided, single submitter. Criteria: DASA Assertion Criteria. Collection method: clinical testing. Allele origin: germline.
Comment: NM_001113226.3(NTNG1):c.943T>C (p.Cys315Arg) is a missense variant that results in the substitution of cysteine with arginine. Published studies describe this variant in association with related phenotype (PMID: 22495309; PMID: 18384956). Also, this variant is absent from population databases. Computational prediction algorithms are consistent with a deleterious effect. The currently available literature and clinical evidence are not sufficient to establish a definitive association between this variant and the reported condition. Therefore, this variant is classified as a variant of uncertain significance.

Literature cited by the submitters: PubMed 22495309; PubMed 18384956.

NM_001113226.3(NTNG1):c.943T>C (p.Cys315Arg)

Gene: NTNG1 (netrin G1; plus strand). Cytogenetic location: 1p13.3.
Variant type: single nucleotide variant.
Coding change: c.943T>C on transcript NM_001113226.3 (MANE Select); coding-DNA position 943, T replaced by C.
Protein change: p.Cys315Arg; replaces cysteine 315 with arginine.
Molecular consequence: missense variant.
Genome position (GRCh38, 1-based): chr1:107,395,209, T>C. VCF-style: chr1-107395209-T-C. GRCh37 (hg19) VCF-style: chr1-107937831-T-C.
Other names: c.943T>C, p.Cys315Arg (NM_001113228.3, NM_001312688.2, NM_001330665.2 and 7 more transcripts); short protein forms C315R.
Identifiers: ClinVar variation 5020849 (VCV005020849.1).